The following is an entry in ClinVar:

ClinVar aggregate classification (germline): Pathogenic (1 of 4 stars; one submission).

Submission:

Labcorp Genetics (formerly Invitae), Labcorp
Classification: Pathogenic. Last evaluated: 2023-07-10. Review status: criteria provided, single submitter. Criteria: Invitae Variant Classification Sherloc (09022015). Collection method: clinical testing. Allele origin: germline.
Comment: For these reasons, this variant has been classified as Pathogenic. ClinVar contains an entry for this variant (Variation ID: 2106250). This variant has not been reported in the literature in individuals affected with COL2A1-related conditions. This variant is not present in population databases (gnomAD no frequency). This sequence change creates a premature translational stop signal (p.Leu667Profs*9) in the COL2A1 gene. It is expected to result in an absent or disrupted protein product. Loss-of-function variants in COL2A1 are known to be pathogenic (PMID: 20179744).

Literature cited by the submitters: PubMed 20179744.

NM_001844.5(COL2A1):c.2000_2001del (p.Leu667fs)

Gene: COL2A1 (collagen type II alpha 1 chain; minus strand). Cytogenetic location: 12q13.11.
Variant type: Deletion.
Coding change: c.2000_2001del on transcript NM_001844.5 (MANE Select); coding-DNA positions 2000 to 2001, 2 bases deleted (TT; older notation c.2000_2001delTT).
Protein change: p.Leu667fs; shifts the reading frame from leucine 667.
Molecular consequence: frameshift variant.
Genome position (GRCh38, 1-based): chr12:47,983,433-47,983,434, AA deleted on the plus strand (TT on the coding strand, the reverse complement: COL2A1 is on the minus strand). VCF-style (leftmost placement, unchanged base first): chr12-47983432-GAA-G. GRCh37 (hg19) VCF-style: chr12-48377215-GAA-G.
Other names: c.1793_1794del, p.Leu598fs (NM_033150.3); short protein forms L598fs, L667fs.
Identifiers: ClinVar variation 2106250 (VCV002106250.4), dbSNP rs2540138496, ClinGen allele CA2580085600.